The following is an entry in ClinVar:

NC_000005.9:g.(?_158753683)_(158753790_?)del

Gene: IL12B (interleukin 12B; minus strand). Cytogenetic location: 5q33.3.
Variant type: Deletion.
Identifiers: ClinVar variation 2424368 (VCV002424368.4).

ClinVar aggregate classification (germline): Pathogenic (1 of 4 stars; one submission).

Conditions:
Mendelian susceptibility to mycobacterial diseases due to complete IL12B deficiency. Also called: IL12B DEFICIENCY; Immunodeficiency 29. Identifiers: Orphanet 319558, MedGen C4013948, MONDO:0013954, OMIM 614890.

Submission:

Labcorp Genetics (formerly Invitae), Labcorp
Classification: Pathogenic for Mendelian susceptibility to mycobacterial diseases due to complete IL12B deficiency. Last evaluated: 2022-05-20. Review status: criteria provided, single submitter. Criteria: Invitae Variant Classification Sherloc (09022015). Collection method: clinical testing. Allele origin: germline.
Comment: For these reasons, this variant has been classified as Pathogenic. This variant is a gross deletion of the genomic region encompassing exon(s) 2 of the IL12B gene, which includes the initiator codon. This deletion extends beyond the assayed region for this gene and therefore may encompass additional genes. It is expected to result in an absent or disrupted protein product. Loss-of-function variants in IL12B are known to be pathogenic (PMID: 11753820, 23429356). This variant has not been reported in the literature in individuals affected with IL12B-related conditions.

Literature cited by the submitters: PubMed 11753820; PubMed 23429356.